The following is an entry in ClinVar:

ClinVar aggregate classification (germline): Uncertain significance (1 of 4 stars; one submission).

Conditions:
Developmental and epileptic encephalopathy, 53. Also called: Epileptic encephalopathy, early infantile, 53. Identifiers: MedGen C4479313, MONDO:0033362, OMIM 617389.
Early-onset Parkinson disease 20. Also called: PARKINSON DISEASE 20, AUTOSOMAL RECESSIVE EARLY-ONSET. Identifiers: Orphanet 391411, MedGen C3809824, MONDO:0014233, OMIM 615530.

Allele frequency attached by ClinVar (database versions not stated): TOPMed below 0.00001; ExAC 0.00001; gnomAD exomes 0.00001.
gnomAD v4.1: 15 of 1,613,624 alleles (0.00093%); highest among the groups gnomAD compares: Non-Finnish European, 0.0012%; no homozygotes.

Submission:

Labcorp Genetics (formerly Invitae), Labcorp
Classification: Uncertain significance for Developmental and epileptic encephalopathy, 53; Early-onset Parkinson disease 20. Last evaluated: 2021-08-30. Review status: criteria provided, single submitter. Criteria: Invitae Variant Classification Sherloc (09022015). Collection method: clinical testing. Allele origin: germline.
Comment: This sequence change replaces isoleucine with threonine at codon 515 of the SYNJ1 protein (p.Ile515Thr). The isoleucine residue is moderately conserved and there is a moderate physicochemical difference between isoleucine and threonine. This variant is present in population databases (rs771070426, ExAC 0.001%). This variant has not been reported in the literature in individuals affected with SYNJ1-related conditions. Algorithms developed to predict the effect of missense changes on protein structure and function are either unavailable or do not agree on the potential impact of this missense change (SIFT: "Deleterious"; PolyPhen-2: "Probably Damaging"; Align-GVGD: "Class C0"). In summary, the available evidence is currently insufficient to determine the role of this variant in disease. Therefore, it has been classified as a Variant of Uncertain Significance.

NM_203446.3(SYNJ1):c.1427T>C (p.Ile476Thr)

Gene: SYNJ1 (synaptojanin 1; minus strand). Cytogenetic location: 21q22.11.
Variant type: single nucleotide variant.
Coding change: c.1427T>C on transcript NM_203446.3 (MANE Select); coding-DNA position 1427, T replaced by C.
Protein change: p.Ile476Thr; replaces isoleucine 476 with threonine.
Molecular consequence: missense variant.
Genome position (GRCh38, 1-based): chr21:32,678,728, A>G on the plus strand (T>C on the coding strand, the complement: SYNJ1 is on the minus strand). VCF-style: chr21-32678728-A-G. GRCh37 (hg19) VCF-style: chr21-34051038-A-G.
Other names: c.1427T>C, p.Ile476Thr (NM_001160302.2); c.1436T>C, p.Ile479Thr (NM_001160306.2); c.1544T>C, p.Ile515Thr (NM_003895.4); short protein forms I476T, I479T, I515T.
Identifiers: ClinVar variation 1023898 (VCV001023898.7), dbSNP rs771070426, ClinGen allele CA10003901.